The following is an entry in ClinVar:

NM_000379.4(XDH):c.366G>A (p.Met122Ile)

Gene: XDH (xanthine dehydrogenase; minus strand). Cytogenetic location: 2p23.1.
Variant type: single nucleotide variant.
Coding change: c.366G>A on transcript NM_000379.4 (MANE Select); coding-DNA position 366, G replaced by A.
Protein change: p.Met122Ile; replaces methionine 122 with isoleucine.
Molecular consequence: missense variant.
Genome position (GRCh38, 1-based): chr2:31,398,640, C>T on the plus strand (G>A on the coding strand, the complement: XDH is on the minus strand). VCF-style: chr2-31398640-C-T. GRCh37 (hg19) VCF-style: chr2-31621506-C-T.
Other names: short protein forms M122I.
Identifiers: ClinVar variation 2798637 (VCV002798637.3), dbSNP rs1183778418, ClinGen allele CA346500875.

ClinVar aggregate classification (germline): Uncertain significance (1 of 4 stars; one submission).

Conditions:
Xanthinuria type II. Also called: Xanthine dehydrogenase and aldehyde oxidase combined deficiency of; XDH and AOX dual deficiency. Identifiers: Orphanet 3467, Orphanet 93602, MedGen C1863688, MONDO:0011346, OMIM 603592.

Allele frequency attached by ClinVar (database versions not stated): gnomAD exomes below 0.00001.

Submission:

Labcorp Genetics (formerly Invitae), Labcorp
Classification: Uncertain significance for Xanthinuria type II. Last evaluated: 2024-04-10. Review status: criteria provided, single submitter. Criteria: Invitae Variant Classification Sherloc (09022015). Collection method: clinical testing. Allele origin: germline.
Comment: This sequence change replaces methionine, which is neutral and non-polar, with isoleucine, which is neutral and non-polar, at codon 122 of the XDH protein (p.Met122Ile). This variant is present in population databases (no rsID available, gnomAD 0.0009%). This variant has not been reported in the literature in individuals affected with XDH-related conditions. An algorithm developed to predict the effect of missense changes on protein structure and function (PolyPhen-2) suggests that this variant is likely to be disruptive. In summary, the available evidence is currently insufficient to determine the role of this variant in disease. Therefore, it has been classified as a Variant of Uncertain Significance.